The following is an entry in ClinVar:

NM_000551.4(VHL):c.322C>G (p.Arg108Gly)

Gene: VHL (von Hippel-Lindau tumor suppressor; plus strand). Cytogenetic location: 3p25.3.
Variant type: single nucleotide variant.
Coding change: c.322C>G on transcript NM_000551.4 (MANE Select); coding-DNA position 322, C replaced by G.
Protein change: p.Arg108Gly; replaces arginine 108 with glycine.
Molecular consequence: missense variant. On other transcripts: non-coding transcript variant (1).
Genome position (GRCh38, 1-based): chr3:10,142,169, C>G. VCF-style: chr3-10142169-C-G. GRCh37 (hg19) VCF-style: chr3-10183853-C-G.
Other names: c.322C>G, p.Arg108Gly (NM_001354723.2, NM_198156.3); short protein forms R108G.
Identifiers: ClinVar variation 4757486 (VCV004757486.1).

ClinVar aggregate classification (germline): Uncertain significance (1 of 4 stars; one submission).

Conditions:
Von Hippel-Lindau syndrome (VHLS). Also called: von Hippel–Lindau syndrome; VHL syndrome; Von Hippel-Lindau. Identifiers: Orphanet 892, MedGen C0019562, MONDO:0008667, OMIM 193300. Disease mechanism: loss of function.

Submission:

Color Diagnostics, LLC DBA Color Health
Classification: Uncertain significance for Von Hippel-Lindau syndrome. Last evaluated: 2025-07-05. Review status: criteria provided, single submitter. Criteria: ACMG Guidelines, 2015. Collection method: clinical testing. Allele origin: germline.
Comment: This missense variant replaces arginine with glycine at codon 108 of the VHL protein. Computational prediction is inconclusive regarding the impact of this variant on protein structure and function. A functional study has reported that this variant does not impact VHL function in a haploid cell proliferation assay (PMID: 38969834). This variant has not been reported in individuals affected with VHL-related disorders in the literature. This variant has not been identified in the general population by the Genome Aggregation Database (gnomAD). The available evidence is insufficient to determine the role of this variant in disease conclusively. Therefore, this variant is classified as a Variant of Uncertain Significance.

Literature cited by the submitters: PubMed 38969834.